The following is an entry in ClinVar:

ClinVar aggregate classification (germline): Uncertain significance. Review status: criteria provided, multiple submitters, no conflicts (2 of 4 stars). 2 submissions from 2 submitters: Uncertain significance (2). Last evaluated 2023-11-29.

Conditions:
MLH3-related disorder. Also called: MLH3-related condition.

Submissions (2):

Ambry Genetics
Classification: Uncertain significance. Last evaluated: 2023-11-29. Review status: criteria provided, single submitter. Criteria: Ambry Variant Classification Scheme 2023. Collection method: clinical testing. Allele origin: germline.
Comment: The p.I1231R variant (also known as c.3692T>G), located in coding exon 6 of the MLH3 gene, results from a T to G substitution at nucleotide position 3692. The isoleucine at codon 1231 is replaced by arginine, an amino acid with similar properties. This amino acid position is conserved. In addition, the in silico prediction for this alteration is inconclusive. Since supporting evidence is limited at this time, the clinical significance of this alteration remains unclear.

PreventionGenetics, part of Exact Sciences
Classification: Uncertain significance for MLH3-related condition. Last evaluated: 2023-07-17. Review status: criteria provided, single submitter. Criteria: ACMG Guidelines, 2015. Collection method: clinical testing. Allele origin: germline.
Comment: The MLH3 c.3692T>G variant is predicted to result in the amino acid substitution p.Ile1231Arg. To our knowledge, this variant has not been reported in the literature or in a large population database, indicating this variant is rare. At this time, the clinical significance of this variant is uncertain due to the absence of conclusive functional and genetic evidence.

NM_001040108.2(MLH3):c.3692T>G (p.Ile1231Arg)

Gene: MLH3 (mutL homolog 3; minus strand). Cytogenetic location: 14q24.3.
Variant type: single nucleotide variant.
Coding change: c.3692T>G on transcript NM_001040108.2 (MANE Select); coding-DNA position 3692, T replaced by G.
Protein change: p.Ile1231Arg; replaces isoleucine 1231 with arginine.
Molecular consequence: missense variant. On other transcripts: intron variant (1).
Genome position (GRCh38, 1-based): chr14:75,033,442, A>C on the plus strand (T>G on the coding strand, the complement: MLH3 is on the minus strand). VCF-style: chr14-75033442-A-C. GRCh37 (hg19) VCF-style: chr14-75500145-A-C.
Other names: c.3644-1263T>G (NM_014381.3); short protein forms I1231R.
Identifiers: ClinVar variation 2631777 (VCV002631777.2), dbSNP rs2503141970, ClinGen allele CA390425305.
Genomic context (GRCh38, chr14:75,033,442, plus strand): 5'-AGTCTCAAATTTTTTCTGGCTGCAAACAGATCCTTACCAATGATAAGCTGCTCCAGACGT[A>C]TACGCTCATGGGCAGCGTGCTGATCCACCAGCACGAGCAGGTTCCCACCTAGATGAGCAA-3'
Protein context (NP_001035197.1, residues 1221-1241): LVDQHAAHER[Ile1231Arg]RLEQLIIDSY